The following is an entry in ClinVar:

ClinVar aggregate classification (germline): Likely pathogenic. Review status: criteria provided, multiple submitters, no conflicts (2 of 4 stars). 2 submissions from 2 submitters: Likely pathogenic (2). Last evaluated 2025-12-29.

Conditions:
Autosomal recessive ataxia, Beauce type. Also called: Spinocerebellar ataxia, autosomal recessive 8; ATAXIA, RECESSIVE, OF BEAUCE; SYNE1 Deficiency; SYNE1-Related Autosomal Recessive Cerebellar Ataxia. Identifiers: Orphanet 88644, MedGen C1853116, MONDO:0012549, OMIM 610743.
Emery-Dreifuss muscular dystrophy 4, autosomal dominant (EDMD4). Also called: EMERY-DREIFUSS MUSCULAR DYSTROPHY 4 WITH VARIABLE FEATURES. Identifiers: Orphanet 261, MedGen C2751807, MONDO:0013071, OMIM 612998.

Submissions (2):

Women's Health and Genetics/Laboratory Corporation of America, LabCorp
Classification: Likely pathogenic for Autosomal recessive ataxia, Beauce type. Last evaluated: 2025-12-29. Review status: criteria provided, single submitter. Criteria: LabCorp Variant Classification Summary - May 2015. Collection method: clinical testing. Allele origin: germline.
Comment: Variant summary: SYNE1 c.23577+1G>A is located in a canonical splice-site and is predicted to affect mRNA splicing resulting in a significantly altered protein due to either exon skipping, shortening, or inclusion of intronic material. Variants that disrupt the consensus splice site are a relatively common cause of aberrant splicing and loss of SYNE1 function. Several computational tools predict a significant impact on normal splicing: Four predict the variant abolishes a 5' splicing donor site. However, these predictions have yet to be confirmed by functional studies. The variant was absent in 251426 control chromosomes. To our knowledge, no occurrence of c.23577+1G>A in individuals affected with SYNE1-related conditions and no experimental evidence demonstrating its impact on protein function have been reported. ClinVar contains an entry for this variant (Variation ID: 1509581). Based on the evidence outlined above, the variant was classified as likely pathogenic.

Labcorp Genetics (formerly Invitae), Labcorp
Classification: Likely pathogenic for Emery-Dreifuss muscular dystrophy 4, autosomal dominant; Autosomal recessive ataxia, Beauce type. Last evaluated: 2021-09-15. Review status: criteria provided, single submitter. Criteria: Invitae Variant Classification Sherloc (09022015). Collection method: clinical testing. Allele origin: germline.
Comment: In summary, the currently available evidence indicates that the variant is pathogenic, but additional data are needed to prove that conclusively. Therefore, this variant has been classified as Likely Pathogenic. Algorithms developed to predict the effect of sequence changes on RNA splicing suggest that this variant may disrupt the consensus splice site. This variant has not been reported in the literature in individuals affected with SYNE1-related conditions. This variant is not present in population databases (ExAC no frequency). This sequence change affects a donor splice site in intron 130 of the SYNE1 gene. It is expected to disrupt RNA splicing. Variants that disrupt the donor or acceptor splice site typically lead to a loss of protein function (PMID: 16199547), and loss-of-function variants in SYNE1 are known to be pathogenic (PMID: 19542096, 24319099, 27086870).

Literature cited by the submitters: PubMed 16199547 (cited by Labcorp Genetics (formerly Invitae), Labcorp); PubMed 19542096 (cited by Labcorp Genetics (formerly Invitae), Labcorp); PubMed 24319099 (cited by Labcorp Genetics (formerly Invitae), Labcorp); PubMed 27086870 (cited by Labcorp Genetics (formerly Invitae), Labcorp).

NM_182961.4(SYNE1):c.23790+1G>A

Gene: SYNE1 (spectrin repeat containing nuclear envelope protein 1; minus strand). Cytogenetic location: 6q25.2.
Variant type: single nucleotide variant.
Coding change: c.23790+1G>A on transcript NM_182961.4 (MANE Select); the canonical splice donor site of the intron after coding-DNA position 23790, G replaced by A.
Molecular consequence: splice donor variant.
Genome position (GRCh38, 1-based): chr6:152,164,162, C>T on the plus strand (G>A on the coding strand, the complement: SYNE1 is on the minus strand). VCF-style: chr6-152164162-C-T. GRCh37 (hg19) VCF-style: chr6-152485297-C-T.
Other names: c.23577+1G>A (NM_033071.5); c.396+1G>A (NM_001347701.2); c.255+1G>A (NM_001347702.2).
Identifiers: ClinVar variation 1509581 (VCV001509581.7), dbSNP rs2153025020, ClinGen allele CA366088463.